The following is an entry in ClinVar:

NM_000266.4(NDP):c.164G>C (p.Cys55Ser)

Genes: NDP (norrin cystine knot growth factor NDP; minus strand), NDP-AS1 (NDP antisense RNA 1; plus strand). Cytogenetic location: Xp11.3.
Variant type: single nucleotide variant.
Coding change: c.164G>C on transcript NM_000266.4 (MANE Select); coding-DNA position 164, G replaced by C.
Protein change: p.Cys55Ser; replaces cysteine 55 with serine.
Molecular consequence: missense variant.
Genome position (GRCh38, 1-based): chrX:43,958,482, C>G on the plus strand (G>C on the coding strand, the complement: NDP is on the minus strand). VCF-style: chrX-43958482-C-G. GRCh37 (hg19) VCF-style: chrX-43817728-C-G.
Other names: short protein forms C55S.
Identifiers: ClinVar variation 2663356 (VCV002663356.1), dbSNP rs2519320442, ClinGen allele CA413008962.

ClinVar aggregate classification (germline): Uncertain significance (1 of 4 stars; one submission).

Submission:

GeneDx
Classification: Uncertain significance. Last evaluated: 2023-04-19. Review status: criteria provided, single submitter. Criteria: GeneDx Variant Classification Process June 2021. Collection method: clinical testing. Allele origin: germline. Affected: yes.
Comment: Not observed at significant frequency in large population cohorts (gnomAD); In silico analysis supports that this missense variant does not alter protein structure/function; Has not been previously published as pathogenic or benign to our knowledge